The following is an entry in ClinVar:

ClinVar aggregate classification (germline): Pathogenic (1 of 4 stars; one submission).

Submission:

Labcorp Genetics (formerly Invitae), Labcorp
Classification: Pathogenic. Last evaluated: 2022-12-21. Review status: criteria provided, single submitter. Criteria: Invitae Variant Classification Sherloc (09022015). Collection method: clinical testing. Allele origin: germline.
Comment: This sequence change creates a premature translational stop signal (p.Asn758Ilefs*2) in the NEXMIF gene. It is expected to result in an absent or disrupted protein product. Loss-of-function variants in NEXMIF are known to be pathogenic (PMID: 23615299). This variant is not present in population databases (gnomAD no frequency). This variant has not been reported in the literature in individuals affected with NEXMIF-related conditions. For these reasons, this variant has been classified as Pathogenic.

Literature cited by the submitters: PubMed 23615299.

NM_001008537.3(NEXMIF):c.2271del (p.Asn758fs)

Gene: NEXMIF (neurite extension and migration factor; minus strand). Cytogenetic location: Xq13.3.
Variant type: Deletion.
Coding change: c.2271del on transcript NM_001008537.3 (MANE Select); coding-DNA position 2271, one base deleted (T; older notation c.2271delT).
Protein change: p.Asn758fs; shifts the reading frame from asparagine 758.
Molecular consequence: frameshift variant.
Genome position (GRCh38, 1-based): chrX:74,742,286, A deleted on the plus strand (T on the coding strand, the reverse complement: NEXMIF is on the minus strand). VCF-style (leftmost placement, unchanged base first): chrX-74742285-TA-T. GRCh37 (hg19) VCF-style: chrX-73962120-TA-T.
Other names: short protein forms N758fs.
Identifiers: ClinVar variation 2823035 (VCV002823035.3), dbSNP rs2519914229, ClinGen allele CA2739273578.